The following is an entry in ClinVar:

ClinVar aggregate classification (germline): Pathogenic (1 of 4 stars; one submission).

Conditions:
Factor XIII, A subunit, deficiency of. Also called: Factor XIII subunit A deficiency. Identifiers: Orphanet 331, MedGen C2750514, MONDO:0013187, OMIM 613225, HP:0040233.

Submission:

Women's Health and Genetics/Laboratory Corporation of America, LabCorp
Classification: Pathogenic for Factor XIII, A subunit, deficiency of. Last evaluated: 2024-05-16. Review status: criteria provided, single submitter. Criteria: LabCorp Variant Classification Summary - May 2015. Collection method: clinical testing. Allele origin: germline.
Comment: Variant summary: The variant involves the deletion of exons 11-14 in the F13A1 gene. This Copy Number Variant (CNV) is expected to alter the reading frame and predicted to result in a truncation or absence of the encoded protein due to nonsense mediated decay (NMD). A presumed nomenclature of c.(1305+1_1306-1)_(2045+1_2046-1)del has been designated for the purposes of this classification. The variant was absent in 21694 control chromosomes (gnomAD structural variants data set). To our knowledge, no occurrence of c.(1305+1_1306-1)_(2045+1_2046-1)del in individuals affected with Factor XIIIA Deficiency and no experimental evidence demonstrating its impact on protein function have been reported. No submitters have cited clinical-significance assessments for this variant to ClinVar. Based on the evidence outlined above, the variant was classified as pathogenic.

NC_000006.11:g.(6146006_6152045)_(6182375_6196029)del

Gene: F13A1 (coagulation factor XIII A chain; minus strand). Cytogenetic location: 6p25.1.
Variant type: Deletion.
Identifiers: ClinVar variation 3336542 (VCV003336542.1).